The following is an entry in ClinVar:

NM_139057.4(ADAMTS17):c.1877T>C (p.Val626Ala)

Gene: ADAMTS17 (ADAM metallopeptidase with thrombospondin type 1 motif 17; minus strand). Cytogenetic location: 15q26.3.
Variant type: single nucleotide variant.
Coding change: c.1877T>C on transcript NM_139057.4 (MANE Select); coding-DNA position 1877, T replaced by C.
Protein change: p.Val626Ala; replaces valine 626 with alanine.
Molecular consequence: missense variant.
Genome position (GRCh38, 1-based): chr15:100,116,858, A>G on the plus strand (T>C on the coding strand, the complement: ADAMTS17 is on the minus strand). VCF-style: chr15-100116858-A-G. GRCh37 (hg19) VCF-style: chr15-100657063-A-G.
Other names: c.1877T>C (NM_139057.2); short protein forms V626A.
Identifiers: ClinVar variation 1521340 (VCV001521340.6), dbSNP rs774035114, ClinGen allele CA7758028.

ClinVar aggregate classification (germline): Uncertain significance. Review status: criteria provided, multiple submitters, no conflicts (2 of 4 stars). 3 submissions from 3 submitters: Uncertain significance (3). Last evaluated 2024-03-01.

Conditions:
Inborn genetic diseases. Identifiers: MedGen C0950123, MeSH D030342.

Allele frequency attached by ClinVar (database versions not stated): ExAC 0.00001; gnomAD 0.00001 and 0.00002; gnomAD exomes 0.00002 and 0.00005; TOPMed 0.00004.
gnomAD v4.1: 76 of 1,614,022 alleles (0.0047%); highest among the groups gnomAD compares: East Asian, 0.13%; no homozygotes.

Submissions (3):

Ambry Genetics
Classification: Uncertain significance for Inborn genetic diseases. Last evaluated: 2024-03-01. Review status: criteria provided, single submitter. Criteria: Ambry Variant Classification Scheme 2023. Collection method: clinical testing. Allele origin: germline.

Labcorp Genetics (formerly Invitae), Labcorp
Classification: Uncertain significance. Last evaluated: 2022-04-11. Review status: criteria provided, single submitter. Criteria: Invitae Variant Classification Sherloc (09022015). Collection method: clinical testing. Allele origin: germline.
Comment: This sequence change replaces valine, which is neutral and non-polar, with alanine, which is neutral and non-polar, at codon 626 of the ADAMTS17 protein (p.Val626Ala). This variant is present in population databases (rs774035114, gnomAD 0.02%). This variant has not been reported in the literature in individuals affected with ADAMTS17-related conditions. Algorithms developed to predict the effect of missense changes on protein structure and function output the following: SIFT: "Not Available"; PolyPhen-2: "Benign"; Align-GVGD: "Not Available". The alanine amino acid residue is found in multiple mammalian species, which suggests that this missense change does not adversely affect protein function. In summary, the available evidence is currently insufficient to determine the role of this variant in disease. Therefore, it has been classified as a Variant of Uncertain Significance.

Blueprint Genetics
Classification: Uncertain significance. Last evaluated: 2020-06-10. Review status: criteria provided, single submitter. Criteria: ACMG Guidelines, 2015. Collection method: clinical testing. Allele origin: germline.